The following is an entry in ClinVar:

ClinVar aggregate classification (germline): Uncertain significance (1 of 4 stars; one submission).

Conditions:
Congenital contractural arachnodactyly (CCA). Also called: BEALS SYNDROME; Arthrogryposis, distal, type 9; Beals-Hecht syndrome. Identifiers: Orphanet 115, MedGen C0220668, MONDO:0007363, OMIM 121050.

gnomAD v4.1: 2 of 1,609,198 alleles (0.00012%); no homozygotes.

Submission:

Labcorp Genetics (formerly Invitae), Labcorp
Classification: Uncertain significance for Congenital contractural arachnodactyly. Last evaluated: 2024-07-08. Review status: criteria provided, single submitter. Criteria: Invitae Variant Classification Sherloc (09022015). Collection method: clinical testing. Allele origin: germline.
Comment: This sequence change falls in intron 30 of the FBN2 gene. It does not directly change the encoded amino acid sequence of the FBN2 protein. This variant is not present in population databases (gnomAD no frequency). This variant has not been reported in the literature in individuals affected with FBN2-related conditions. Algorithms developed to predict the effect of sequence changes on RNA splicing suggest that this variant may disrupt the consensus splice site. In summary, the available evidence is currently insufficient to determine the role of this variant in disease. Therefore, it has been classified as a Variant of Uncertain Significance.

NM_001999.4(FBN2):c.3974-7T>G

Gene: FBN2 (fibrillin 2; minus strand). Cytogenetic location: 5q23.3.
Variant type: single nucleotide variant.
Coding change: c.3974-7T>G on transcript NM_001999.4 (MANE Select); 7 bases into the intron before coding-DNA position 3974, T replaced by G.
Molecular consequence: intron variant.
Genome position (GRCh38, 1-based): chr5:128,334,851, A>C on the plus strand (T>G on the coding strand, the complement: FBN2 is on the minus strand). VCF-style: chr5-128334851-A-C. GRCh37 (hg19) VCF-style: chr5-127670543-A-C.
Identifiers: ClinVar variation 2994998 (VCV002994998.3), dbSNP rs2479797383, ClinGen allele CA2675116921.